The following is an entry in ClinVar:

NM_203447.4(DOCK8):c.1498C>T (p.Arg500Ter)

Gene: DOCK8 (dedicator of cytokinesis 8; plus strand). Cytogenetic location: 9p24.3.
Variant type: single nucleotide variant.
Coding change: c.1498C>T on transcript NM_203447.4 (MANE Select); coding-DNA position 1498, C replaced by T.
Protein change: p.Arg500Ter; replaces arginine 500 with a stop codon.
Molecular consequence: nonsense.
Genome position (GRCh38, 1-based): chr9:339,081, C>T. VCF-style: chr9-339081-C-T. GRCh37 (hg19) VCF-style: chr9-339081-C-T.
Other names: c.1294C>T, p.Arg432Ter (NM_001190458.2, NM_001193536.2); short protein forms R432*, R500*.
Identifiers: ClinVar variation 1069888 (VCV001069888.8), dbSNP rs770748316, ClinGen allele CA4957751.

ClinVar aggregate classification (germline): Pathogenic. Review status: criteria provided, multiple submitters, no conflicts (2 of 4 stars). 2 submissions from 2 submitters: Pathogenic (2). Last evaluated 2024-04-09.

Conditions:
Combined immunodeficiency due to DOCK8 deficiency (HIES2). Also called: Hyper-IgE recurrent infection syndrome, autosomal recessive; HYPER-IgE RECURRENT INFECTION SYNDROME 2, AUTOSOMAL RECESSIVE; HYPER-IgE SYNDROME 2, AUTOSOMAL RECESSIVE, WITH RECURRENT INFECTIONS; DOCK8 Deficiency; HIES autosomal recessive. Identifiers: Orphanet 217390, MedGen C4722305, MONDO:0009478, OMIM 243700.

Allele frequency attached by ClinVar (database versions not stated): gnomAD 0.00001.
gnomAD v4.1: 5 of 1,613,914 alleles (0.00031%); highest among the groups gnomAD compares: South Asian, 0.0022%; no homozygotes.

Submissions (2):

Labcorp Genetics (formerly Invitae), Labcorp
Classification: Pathogenic for Combined immunodeficiency due to DOCK8 deficiency. Last evaluated: 2024-04-09. Review status: criteria provided, single submitter. Criteria: Invitae Variant Classification Sherloc (09022015). Collection method: clinical testing. Allele origin: germline.
Comment: This sequence change creates a premature translational stop signal (p.Arg500*) in the DOCK8 gene. It is expected to result in an absent or disrupted protein product. Loss-of-function variants in DOCK8 are known to be pathogenic (PMID: 14722525, 19776401). The frequency data for this variant in the population databases is considered unreliable, as metrics indicate poor data quality at this position in the gnomAD database. This premature translational stop signal has been observed in individual(s) with clinical features of DOCK8 deficiency (PMID: 29058101). ClinVar contains an entry for this variant (Variation ID: 1069888). For these reasons, this variant has been classified as Pathogenic.

Johns Hopkins Genomics, Johns Hopkins University
Classification: Pathogenic for Combined immunodeficiency due to DOCK8 deficiency. Last evaluated: 2022-08-04. Review status: criteria provided, single submitter. Criteria: ACMG Guidelines, 2015. Collection method: clinical testing. Allele origin: germline.

Literature cited by the submitters: PubMed 14722525 (cited by Labcorp Genetics (formerly Invitae), Labcorp); PubMed 19776401 (cited by Labcorp Genetics (formerly Invitae), Labcorp and Johns Hopkins Genomics, Johns Hopkins University); PubMed 29058101 (cited by Labcorp Genetics (formerly Invitae), Labcorp).